The following is an entry in ClinVar:

NM_015404.4(WHRN):c.1177G>C (p.Asp393His)

Gene: WHRN (whirlin; minus strand). Cytogenetic location: 9q32.
Variant type: single nucleotide variant.
Coding change: c.1177G>C on transcript NM_015404.4 (MANE Select); coding-DNA position 1177, G replaced by C.
Protein change: p.Asp393His; replaces aspartic acid 393 with histidine.
Molecular consequence: missense variant.
Genome position (GRCh38, 1-based): chr9:114,425,014, C>G on the plus strand (G>C on the coding strand, the complement: WHRN is on the minus strand). VCF-style: chr9-114425014-C-G. GRCh37 (hg19) VCF-style: chr9-117187294-C-G.
Other names: c.28G>C, p.Asp10His (NM_001083885.3); c.1177G>C, p.Asp393His (NM_001173425.2); c.124G>C, p.Asp42His (NM_001346890.1); short protein forms D393H, D42H, D10H.
Identifiers: ClinVar variation 2165620 (VCV002165620.4), dbSNP rs138164522, ClinGen allele CA5206024.

ClinVar aggregate classification (germline): Uncertain significance (1 of 4 stars; one submission).

Allele frequency attached by ClinVar (database versions not stated): ExAC 0.00001; gnomAD 0.00001; ESP Exome Variant Server 0.00008.
gnomAD v4.1: 9 of 1,614,168 alleles (0.00056%); highest among the groups gnomAD compares: South Asian, 0.0088%; no homozygotes.

Submission:

Labcorp Genetics (formerly Invitae), Labcorp
Classification: Uncertain significance. Last evaluated: 2022-02-20. Review status: criteria provided, single submitter. Criteria: Invitae Variant Classification Sherloc (09022015). Collection method: clinical testing. Allele origin: germline.
Comment: This sequence change replaces aspartic acid, which is acidic and polar, with histidine, which is basic and polar, at codon 393 of the WHRN protein (p.Asp393His). This variant is present in population databases (rs138164522, gnomAD 0.006%). This variant has not been reported in the literature in individuals affected with WHRN-related conditions. Algorithms developed to predict the effect of missense changes on protein structure and function are either unavailable or do not agree on the potential impact of this missense change (SIFT: "Deleterious"; PolyPhen-2: "Benign"; Align-GVGD: "Class C0"). In summary, the available evidence is currently insufficient to determine the role of this variant in disease. Therefore, it has been classified as a Variant of Uncertain Significance.